The following is an entry in ClinVar:

ClinVar aggregate classification (germline): Uncertain significance. Review status: criteria provided, multiple submitters, no conflicts (2 of 4 stars). 2 submissions from 2 submitters: Uncertain significance (2). Last evaluated 2025-05-29.

Conditions:
Inborn genetic diseases. Identifiers: MedGen C0950123, MeSH D030342.
Alpha-methylacyl-CoA racemase deficiency (AMACRD). Also called: AMACR deficiency. Identifiers: Orphanet 79095, MedGen C3280428, MONDO:0013681, OMIM 614307. Disease mechanism: loss of function.

gnomAD v4.1: 5 of 1,611,398 alleles (0.00031%); highest among the groups gnomAD compares: Admixed American, 0.005%; no homozygotes.

Submissions (2):

Ambry Genetics
Classification: Uncertain significance for Inborn genetic diseases. Last evaluated: 2025-05-29. Review status: criteria provided, single submitter. Criteria: Ambry Variant Classification Scheme 2023. Collection method: clinical testing. Allele origin: germline.

Labcorp Genetics (formerly Invitae), Labcorp
Classification: Uncertain significance for Alpha-methylacyl-CoA racemase deficiency. Last evaluated: 2024-12-07. Review status: criteria provided, single submitter. Criteria: Invitae Variant Classification Sherloc (09022015). Collection method: clinical testing. Allele origin: germline.
Comment: This sequence change replaces alanine, which is neutral and non-polar, with proline, which is neutral and non-polar, at codon 15 of the AMACR protein (p.Ala15Pro). This variant is present in population databases (no rsID available, gnomAD 0.003%). This variant has not been reported in the literature in individuals affected with AMACR-related conditions. Invitae Evidence Modeling of protein sequence and biophysical properties (such as structural, functional, and spatial information, amino acid conservation, physicochemical variation, residue mobility, and thermodynamic stability) indicates that this missense variant is expected to disrupt AMACR protein function with a positive predictive value of 80%. In summary, the available evidence is currently insufficient to determine the role of this variant in disease. Therefore, it has been classified as a Variant of Uncertain Significance.

NM_014324.6(AMACR):c.43G>C (p.Ala15Pro)

Genes: AMACR (alpha-methylacyl-CoA racemase; minus strand), C1QTNF3-AMACR (C1QTNF3-AMACR readthrough (NMD candidate); minus strand). Cytogenetic location: 5p13.2.
Variant type: single nucleotide variant.
Coding change: c.43G>C on transcript NM_014324.6 (MANE Select); coding-DNA position 43, G replaced by C.
Protein change: p.Ala15Pro; replaces alanine 15 with proline.
Molecular consequence: missense variant.
Genome position (GRCh38, 1-based): chr5:34,007,977, C>G on the plus strand (G>C on the coding strand, the complement: AMACR is on the minus strand). VCF-style: chr5-34007977-C-G. GRCh37 (hg19) VCF-style: chr5-34008082-C-G.
Other names: c.43G>C (NM_014324.5); c.43G>C, p.Ala15Pro (NM_001167595.2, NM_203382.3); short protein forms A15P.
Identifiers: ClinVar variation 3623122 (VCV003623122.3).
Genomic context (GRCh38, chr5:34,007,977, plus strand): 5'-CCACGCGTACCACACGCGCCCCGAAGTCAGCCAGGACCATAGCACAGAACGGGCCCGGGG[C>G]CAGGCCGGACAGCTCCACGACCGAGATGCCCTGCAGTGCCATGGCGCTTCCCAGTGCCCC-3'
Protein context (NP_055139.4, residues 5-25): GISVVELSGL[Ala15Pro]PGPFCAMVLA